The following is an entry in ClinVar:

ClinVar aggregate classification (germline): Uncertain significance (1 of 4 stars; one submission).

Submission:

GeneDx
Classification: Uncertain significance. Last evaluated: 2023-05-24. Review status: criteria provided, single submitter. Criteria: GeneDx Variant Classification Process June 2021. Collection method: clinical testing. Allele origin: germline. Affected: yes.
Comment: Not observed at significant frequency in large population cohorts (gnomAD); In silico analysis supports that this missense variant has a deleterious effect on protein structure/function; Has not been previously published as pathogenic or benign to our knowledge

NM_006623.4(PHGDH):c.562G>T (p.Val188Phe)

Gene: PHGDH (phosphoglycerate dehydrogenase; plus strand). Cytogenetic location: 1p12.
Variant type: single nucleotide variant.
Coding change: c.562G>T on transcript NM_006623.4 (MANE Select); coding-DNA position 562, G replaced by T.
Protein change: p.Val188Phe; replaces valine 188 with phenylalanine.
Molecular consequence: missense variant.
Genome position (GRCh38, 1-based): chr1:119,734,685, G>T. VCF-style: chr1-119734685-G-T. GRCh37 (hg19) VCF-style: chr1-120277308-G-T.
Other names: short protein forms V188F.
Identifiers: ClinVar variation 3343738 (VCV003343738.1).
Genomic context (GRCh38, chr1:119,734,685, plus strand): 5'-TCCAACCAGACTATAGGGTATGACCCCATCATTTCCCCAGAGGTCTCGGCCTCCTTTGGT[G>T]TTCAGCAGCTGCCCCTGGAGGAGATCTGGCCTCTCTGTGATTTCATCACTGTGCACACTC-3'
Protein context (NP_006614.2, residues 178-198): ISPEVSASFG[Val188Phe]QQLPLEEIWP